The following is an entry in ClinVar:

NM_006947.4(SRP72):c.1755C>G (p.Tyr585Ter)

Gene: SRP72 (signal recognition particle 72; plus strand). Cytogenetic location: 4q12.
Variant type: single nucleotide variant.
Coding change: c.1755C>G on transcript NM_006947.4 (MANE Select); coding-DNA position 1755, C replaced by G.
Protein change: p.Tyr585Ter; replaces tyrosine 585 with a stop codon.
Molecular consequence: nonsense. On other transcripts: non-coding transcript variant (1).
Genome position (GRCh38, 1-based): chr4:56,500,612, C>G. VCF-style: chr4-56500612-C-G. GRCh37 (hg19) VCF-style: chr4-57366778-C-G.
Other names: c.1572C>G, p.Tyr524Ter (NM_001267722.2); short protein forms Y585*, Y524*.
Identifiers: ClinVar variation 3660890 (VCV003660890.2).
Genomic context (GRCh38, chr4:56,500,612, plus strand): 5'-TTATGACCCAAAAGTTACCCCAGATCCAGAAAGATGGCTGCCAATGCGAGAACGTTCTTA[C>G]TACCGGGGAAGAAAGAAGGGTAAAAAGAAGGATCAGATTGGAAAAGGGACCCAGGGAGCA-3'

ClinVar aggregate classification (germline): Uncertain significance (1 of 4 stars; one submission).

Submission:

Labcorp Genetics (formerly Invitae), Labcorp
Classification: Uncertain significance. Last evaluated: 2024-08-05. Review status: criteria provided, single submitter. Criteria: Invitae Variant Classification Sherloc (09022015). Collection method: clinical testing. Allele origin: germline.
Comment: This sequence change creates a premature translational stop signal (p.Tyr585*) in the SRP72 gene. It is expected to result in an absent or disrupted protein product. However, the current clinical and genetic evidence is not sufficient to establish whether loss-of-function variants in SRP72 cause disease. This variant is not present in population databases (gnomAD no frequency). This variant has not been reported in the literature in individuals affected with SRP72-related conditions. In summary, the available evidence is currently insufficient to determine the role of this variant in disease. Therefore, it has been classified as a Variant of Uncertain Significance.